The following is an entry in ClinVar:

ClinVar aggregate classification (germline): Likely pathogenic. Review status: criteria provided, multiple submitters, no conflicts (2 of 4 stars). 2 submissions from 2 submitters: Likely pathogenic (2). Last evaluated 2025-10-02.

Conditions:
SCN1A-related disorder. Also called: SCN1A-related conditions; SCN1A-related condition; SCN1A-related disorders.
Early-infantile DEE. Also called: Early infantile epileptic encephalopathy; Ohtahara syndrome; Early infantile epileptic encephalopathy with suppression bursts. Identifiers: Orphanet 1934, MedGen C0393706, MONDO:0800491.

Submissions (2):

3billion
Classification: Likely pathogenic for SCN1A-related disorder. Last evaluated: 2025-10-02. Review status: criteria provided, single submitter. Criteria: ACMG Guidelines, 2015. Collection method: clinical testing. Allele origin: germline. Affected: yes.
Comment: The variant is not observed in the gnomAD v4.1.0 dataset. Predicted Consequence/Location: Missense variant In silico tool predictions suggest damaging effect of the variant on gene or gene product [REVEL: 0.90 (>=0.6, sensitivity 0.68 and specificity 0.92); 3Cnet: 1.00 (> 0.75, sensitivity 0.96 and precision 0.92)]. The same nucleotide change resulting in the same amino acid change has been previously reported to be associated with SCN1A-related disorder (ClinVar ID: VCV000938955).Different missense changes at the same codon (p.Asp1740Asn, p.Asp1740Tyr) have been reported as pathogenic/likely pathogenic with strong evidence (ClinVar ID: VCV000206861, VCV001675806 /PMID: 28842445, 35571373). Therefore, this variant is classified as Likely pathogenic according to the recommendation of ACMG/AMP guideline.

Labcorp Genetics (formerly Invitae), Labcorp
Classification: Likely pathogenic for Early-infantile DEE. Last evaluated: 2023-02-14. Review status: criteria provided, single submitter. Criteria: Invitae Variant Classification Sherloc (09022015). Collection method: clinical testing. Allele origin: germline.
Comment: This variant has not been reported in the literature in individuals affected with SCN1A-related conditions. ClinVar contains an entry for this variant (Variation ID: 938955). Advanced modeling of protein sequence and biophysical properties (such as structural, functional, and spatial information, amino acid conservation, physicochemical variation, residue mobility, and thermodynamic stability) performed at Invitae indicates that this missense variant is expected to disrupt SCN1A protein function. This variant disrupts the p.Asp1740 amino acid residue in SCN1A. Other variant(s) that disrupt this residue have been determined to be pathogenic (PMID: 28842445, 29655203; Invitae). This suggests that this residue is clinically significant, and that variants that disrupt this residue are likely to be disease-causing. In summary, the currently available evidence indicates that the variant is pathogenic, but additional data are needed to prove that conclusively. Therefore, this variant has been classified as Likely Pathogenic. This sequence change replaces aspartic acid, which is acidic and polar, with histidine, which is basic and polar, at codon 1740 of the SCN1A protein (p.Asp1740His). This variant is not present in population databases (gnomAD no frequency).

Literature cited by the submitters: PubMed 28842445 (cited by 3billion and Labcorp Genetics (formerly Invitae), Labcorp); PubMed 29655203 (cited by Labcorp Genetics (formerly Invitae), Labcorp).

NM_001165963.4(SCN1A):c.5218G>C (p.Asp1740His)

Genes: SCN1A (sodium voltage-gated channel alpha subunit 1; minus strand), LOC102724058 (uncharacterized LOC102724058; plus strand). Cytogenetic location: 2q24.3.
Variant type: single nucleotide variant.
Coding change: c.5218G>C on transcript NM_001165963.4 (MANE Select); coding-DNA position 5218, G replaced by C.
Protein change: p.Asp1740His; replaces aspartic acid 1740 with histidine.
Molecular consequence: missense variant. On other transcripts: non-coding transcript variant (1).
Genome position (GRCh38, 1-based): chr2:165,992,057, C>G on the plus strand (G>C on the coding strand, the complement: SCN1A is on the minus strand). VCF-style: chr2-165992057-C-G. GRCh37 (hg19) VCF-style: chr2-166848567-C-G.
Other names: c.5134G>C, p.Asp1712His (NM_001165964.3, NM_001353957.2, NM_001353958.2); c.5218G>C, p.Asp1740His (NM_001202435.3, NM_001353948.2); c.5185G>C, p.Asp1729His (NM_001353949.2, NM_001353950.2, NM_001353951.2 and 2 more transcripts); c.5182G>C, p.Asp1728His (NM_001353954.2, NM_001353955.2); c.5131G>C, p.Asp1711His (NM_001353960.2); c.2776G>C, p.Asp926His (NM_001353961.2); short protein forms D1712H, D1740H, D1711H, D1729H, D1728H, D926H.
Identifiers: ClinVar variation 938955 (VCV000938955.11), dbSNP rs796053035, ClinGen allele CA349068548.
Genomic context (GRCh38, chr2:165,992,057, plus strand): 5'-ATGGGTTCCCACAGTCTCCCTTAACTGAGCTTCCAGGGTTAACTTTATTAGGGTCACAGT[C>G]GGGTGGCTTACTGTTGAGAATGGGTGCTAGCAATCCATCCCAGCCAGCAGAGGTTGTAAT-3'
Protein context (NP_001159435.1, residues 1730-1750): LAPILNSKPP[Asp1740His]CDPNKVNPGS